The following is an entry in ClinVar:

ClinVar aggregate classification (germline): Benign/Likely benign. Review status: criteria provided, multiple submitters, no conflicts (2 of 4 stars). 2 submissions from 2 submitters: Benign (1); Likely benign (1). Last evaluated 2026-07-01.

Allele frequency attached by ClinVar (database versions not stated): TOPMed 0.00005; ExAC 0.00057; 1000 Genomes Project 0.00080; gnomAD 0.00010; gnomAD exomes 0.00022; 1000 Genomes Project 30x 0.00094.

Submissions (2):

CeGaT Center for Human Genetics Tuebingen
Classification: Likely benign. Last evaluated: 2026-07-01. Review status: criteria provided, single submitter. Criteria: CeGaT Center For Human Genetics Tuebingen Variant Classification Criteria Version 2. Collection method: clinical testing. Allele origin: germline. Affected: yes. Observed: 1 variant allele.
Comment: AMHR2: BP4, BP7

Labcorp Genetics (formerly Invitae), Labcorp
Classification: Benign. Last evaluated: 2025-10-02. Review status: criteria provided, single submitter. Criteria: Invitae Variant Classification Sherloc (09022015). Collection method: clinical testing. Allele origin: germline.

NM_020547.3(AMHR2):c.171C>T (p.Tyr57=)

Gene: AMHR2 (anti-Mullerian hormone receptor type 2; plus strand). Cytogenetic location: 12q13.13.
Variant type: single nucleotide variant.
Coding change: c.171C>T on transcript NM_020547.3 (MANE Select); coding-DNA position 171, C replaced by T.
Protein change: p.Tyr57=; no amino-acid change (tyrosine 57 retained).
Molecular consequence: synonymous variant.
Genome position (GRCh38, 1-based): chr12:53,424,409, C>T. VCF-style: chr12-53424409-C-T. GRCh37 (hg19) VCF-style: chr12-53818193-C-T.
Other names: c.171C>T, p.Tyr57= (NM_001164690.2, NM_001164691.2).
Identifiers: ClinVar variation 2721021 (VCV002721021.4), dbSNP rs201113794, ClinGen allele CA6600242.